The following is an entry in ClinVar:

ClinVar aggregate classification (germline): Likely benign. Review status: criteria provided, multiple submitters, no conflicts (2 of 4 stars). 6 submissions from 6 submitters: Likely benign (6). Last evaluated 2026-01-23.

Conditions:
Cardiovascular phenotype. Identifiers: MedGen CN230736.
Long QT syndrome (LQTS). Identifiers: MedGen C0023976, MeSH D008133, MONDO:0002442. Disease mechanism: loss of function. Inheritance: Various modes of inheritance.
Cardiac arrhythmia, ankyrin-B-related. Also called: ANKYRIN-B SYNDROME. Identifiers: Orphanet 101016, Orphanet 768, MedGen C1970119, MONDO:0010958, OMIM 600919.

Allele frequency attached by ClinVar (database versions not stated): TOPMed 0.00002; gnomAD 0.00003; 1000 Genomes Project 0.00040; 1000 Genomes Project 30x 0.00047.
gnomAD v4.1: 207 of 1,614,048 alleles (0.013%); highest among the groups gnomAD compares: South Asian, 0.21%; 2 homozygotes.

Submissions (6):

Labcorp Genetics (formerly Invitae), Labcorp
Classification: Likely benign for Long QT syndrome. Last evaluated: 2026-01-23. Review status: criteria provided, single submitter. Criteria: Invitae Variant Classification Sherloc (09022015). Collection method: clinical testing. Allele origin: germline.

CeGaT Center for Human Genetics Tuebingen
Classification: Likely benign. Last evaluated: 2026-01-01. Review status: criteria provided, single submitter. Criteria: CeGaT Center For Human Genetics Tuebingen Variant Classification Criteria Version 2. Collection method: clinical testing. Allele origin: germline. Affected: yes. Observed: 1 variant allele.
Comment: ANK2: BP4, BP7

Blueprint Genetics
Classification: Likely benign. Last evaluated: 2023-07-19. Review status: criteria provided, single submitter. Criteria: ACMG Guidelines, 2015. Collection method: clinical testing. Allele origin: germline.

GeneDx
Classification: Likely benign. Last evaluated: 2019-05-06. Review status: criteria provided, single submitter. Criteria: GeneDx Variant Classification Process June 2021. Collection method: clinical testing. Allele origin: germline. Affected: yes.

Ambry Genetics
Classification: Likely benign for Cardiovascular phenotype. Last evaluated: 2018-09-21. Review status: criteria provided, single submitter. Criteria: Ambry Variant Classification Scheme 2023. Collection method: clinical testing. Allele origin: germline.

Illumina Laboratory Services, Illumina
Classification: Likely benign for Cardiac arrhythmia, ankyrin-B-related. Last evaluated: 2018-01-13. Review status: criteria provided, single submitter. Criteria: ICSL Variant Classification Criteria 13 December 2019. Collection method: clinical testing. Allele origin: germline.
Comment: This variant was observed in the ICSL laboratory as part of a predisposition screen in an ostensibly healthy population. It had not been previously curated by ICSL or reported in the Human Gene Mutation Database (HGMD: prior to June 1st, 2018), and was therefore a candidate for classification through an automated scoring system. Utilizing variant allele frequency, disease prevalence and penetrance estimates, and inheritance mode, an automated score was calculated to assess if this variant is too frequent to cause the disease. Based on the score and internal cut-off values, a variant classified as likely benign is not then subjected to further curation. The score for this variant resulted in a classification of likely benign for this disease.

NM_001148.6(ANK2):c.9939C>T (p.Thr3313=)

Gene: ANK2 (ankyrin 2; plus strand). Cytogenetic location: 4q26.
Variant type: single nucleotide variant.
Coding change: c.9939C>T on transcript NM_001148.6 (MANE Select); coding-DNA position 9939, C replaced by T.
Protein change: p.Thr3313=; no amino-acid change (threonine 3313 retained).
Molecular consequence: synonymous variant. On other transcripts: intron variant (68).
Genome position (GRCh38, 1-based): chr4:113,358,557, C>T. VCF-style: chr4-113358557-C-T. GRCh37 (hg19) VCF-style: chr4-114279713-C-T.
Other names: c.9705C>T, p.Thr3235= (NM_001386142.1); c.6339C>T, p.Thr2113= (NM_001386166.1); c.10080C>T, p.Thr3360= (NM_001386174.1); c.10056C>T, p.Thr3352= (NM_001386175.1); c.4412-2266C>T (NM_001386186.2, NM_001386148.2); c.4214-2266C>T (NM_001354269.3); c.4292-2266C>T (NM_001386187.2); c.4253-2266C>T (NM_001386147.1); and 35 more.
Identifiers: ClinVar variation 347341 (VCV000347341.22), dbSNP rs562895246, ClinGen allele CA3052006.